The following is an entry in ClinVar:

ClinVar aggregate classification (germline): Uncertain significance (1 of 4 stars; one submission).

Submission:

Labcorp Genetics (formerly Invitae), Labcorp
Classification: Uncertain significance. Last evaluated: 2023-05-25. Review status: criteria provided, single submitter. Criteria: Invitae Variant Classification Sherloc (09022015). Collection method: clinical testing. Allele origin: germline.
Comment: In summary, the available evidence is currently insufficient to determine the role of this variant in disease. Therefore, it has been classified as a Variant of Uncertain Significance. Algorithms developed to predict the effect of missense changes on protein structure and function output the following: SIFT: "Not Available"; PolyPhen-2: "Benign"; Align-GVGD: "Not Available". The serine amino acid residue is found in multiple mammalian species, which suggests that this missense change does not adversely affect protein function. ClinVar contains an entry for this variant (Variation ID: 1008450). This variant has not been reported in the literature in individuals affected with A2ML1-related conditions. This variant is not present in population databases (gnomAD no frequency). This sequence change replaces proline, which is neutral and non-polar, with serine, which is neutral and polar, at codon 1208 of the A2ML1 protein (p.Pro1208Ser).

NM_144670.6(A2ML1):c.3622C>T (p.Pro1208Ser)

Gene: A2ML1 (alpha-2-macroglobulin like 1; plus strand). Cytogenetic location: 12p13.31.
Variant type: single nucleotide variant.
Coding change: c.3622C>T on transcript NM_144670.6 (MANE Select); coding-DNA position 3622, C replaced by T.
Protein change: p.Pro1208Ser; replaces proline 1208 with serine.
Molecular consequence: missense variant.
Genome position (GRCh38, 1-based): chr12:8,863,913, C>T. VCF-style: chr12-8863913-C-T. GRCh37 (hg19) VCF-style: chr12-9016509-C-T.
Other names: c.2149C>T, p.Pro717Ser (NM_001282424.3); short protein forms P1208S, P717S.
Identifiers: ClinVar variation 1008450 (VCV001008450.8), dbSNP rs1944354265, ClinGen allele CA383842252.